The following is an entry in ClinVar:

NM_003036.4(SKI):c.1298del (p.Pro433fs)

Gene: SKI (SKI proto-oncogene; plus strand). Cytogenetic location: 1p36.32.
Variant type: Deletion.
Coding change: c.1298del on transcript NM_003036.4 (MANE Select); coding-DNA position 1298, one base deleted (C; older notation c.1298delC).
Protein change: p.Pro433fs; shifts the reading frame from proline 433.
Molecular consequence: frameshift variant.
Genome position (GRCh38, 1-based): chr1:2,303,926, C deleted; the last of 3 consecutive C bases (chr1:2,303,924-2,303,926); deleting any one gives the same sequence. VCF-style (leftmost placement, unchanged base first): chr1-2303923-GC-G. GRCh37 (hg19) VCF-style: chr1-2235362-GC-G.
Other names: short protein forms P433fs.
Identifiers: ClinVar variation 2767297 (VCV002767297.3), dbSNP rs2521484390, ClinGen allele CA2697552024.

ClinVar aggregate classification (germline): Uncertain significance (1 of 4 stars; one submission).

Conditions:
Shprintzen-Goldberg syndrome (SGS). Also called: Marfanoid disorder with craniosynostosis type 1; Marfanoid craniosynostosis syndrome; Shprintzen-Goldberg marfanoid syndrome; SHPRINTZEN-GOLDBERG CRANIOSYNOSTOSIS SYNDROME; CRANIOSYNOSTOSIS WITH ARACHNODACTYLY AND ABDOMINAL HERNIAS. Identifiers: Orphanet 2462, MedGen C1321551, MONDO:0008426, OMIM 182212.

Submission:

Labcorp Genetics (formerly Invitae), Labcorp
Classification: Uncertain significance for Shprintzen-Goldberg syndrome. Last evaluated: 2023-10-09. Review status: criteria provided, single submitter. Criteria: Invitae Variant Classification Sherloc (09022015). Collection method: clinical testing. Allele origin: germline.
Comment: This sequence change creates a premature translational stop signal (p.Pro433Leufs*25) in the SKI gene. It is expected to result in an absent or disrupted protein product. However, the current clinical and genetic evidence is not sufficient to establish whether loss-of-function variants in SKI cause disease. This variant is not present in population databases (gnomAD no frequency). This variant has not been reported in the literature in individuals affected with SKI-related conditions. In summary, the available evidence is currently insufficient to determine the role of this variant in disease. Therefore, it has been classified as a Variant of Uncertain Significance.